The following is an entry in ClinVar:

NM_133433.4(NIPBL):c.3664+11C>T

Gene: NIPBL (NIPBL cohesin loading factor; plus strand). Cytogenetic location: 5p13.2.
Variant type: single nucleotide variant.
Coding change: c.3664+11C>T on transcript NM_133433.4 (MANE Select); 11 bases into the intron after coding-DNA position 3664, C replaced by T.
Molecular consequence: intron variant.
Genome position (GRCh38, 1-based): chr5:37,001,089, C>T. VCF-style: chr5-37001089-C-T. GRCh37 (hg19) VCF-style: chr5-37001191-C-T.
Other names: c.3664+11C>T (NM_015384.5).
Identifiers: ClinVar variation 3007073 (VCV003007073.4), dbSNP rs954328973, ClinGen allele CA117056658.

ClinVar aggregate classification (germline): Likely benign. Review status: criteria provided, multiple submitters, no conflicts (2 of 4 stars). 2 submissions from 2 submitters: Likely benign (2). Last evaluated 2025-10-02.

Conditions:
Cornelia de Lange syndrome 1 (CDLS1). Also called: TYPUS DEGENERATIVUS AMSTELODAMENSIS; Brachmann de Lange syndrome; NIPBL-Related Cornelia de Lange Syndrome. Identifiers: Orphanet 199, MedGen C4551851, MONDO:0007387, OMIM 122470.

Allele frequency attached by ClinVar (database versions not stated): gnomAD 0.00001; TOPMed 0.00002.
gnomAD v4.1: 1 of 1,537,832 alleles (0.000065%); highest among the groups gnomAD compares: African/African-American, 0.0014%; no homozygotes.

Submissions (2):

Labcorp Genetics (formerly Invitae), Labcorp
Classification: Likely benign for Cornelia de Lange syndrome 1. Last evaluated: 2025-10-02. Review status: criteria provided, single submitter. Criteria: Invitae Variant Classification Sherloc (09022015). Collection method: clinical testing. Allele origin: germline.

Women's Health and Genetics/Laboratory Corporation of America, LabCorp
Classification: Likely benign. Last evaluated: 2024-04-29. Review status: criteria provided, single submitter. Criteria: LabCorp Variant Classification Summary - May 2015. Collection method: clinical testing. Allele origin: germline.
Comment: Variant summary: NIPBL c.3664+11C>T alters a conserved nucleotide located at a position not widely known to affect splicing. Consensus agreement among computation tools predict no significant impact on normal splicing. However, these predictions have yet to be confirmed by functional studies. The variant was absent in 249562 control chromosomes. The available data on variant occurrences in the general population are insufficient to allow any conclusion about variant significance. To our knowledge, no occurrence of c.3664+11C>T in individuals affected with Cornelia De Lange Syndrome 1 and no experimental evidence demonstrating its impact on protein function have been reported. No submitters have cited clinical-significance assessments for this variant to ClinVar. Based on the evidence outlined above, the variant was classified as likely benign.